The following is an entry in ClinVar:

NM_020975.6(RET):c.1183G>A (p.Val395Met)

Gene: RET (ret proto-oncogene; plus strand). Cytogenetic location: 10q11.21.
Variant type: single nucleotide variant.
Coding change: c.1183G>A on transcript NM_020975.6 (MANE Select); coding-DNA position 1183, G replaced by A.
Protein change: p.Val395Met; replaces valine 395 with methionine.
Molecular consequence: missense variant.
Genome position (GRCh38, 1-based): chr10:43,109,150, G>A. VCF-style: chr10-43109150-G-A. GRCh37 (hg19) VCF-style: chr10-43604598-G-A.
Other names: c.1183G>A, p.Val395Met (NM_000323.2, NM_001406743.1, NM_001406744.1 and 6 more transcripts); c.421G>A, p.Val141Met (NM_001355216.2); c.1054G>A, p.Val352Met (NM_001406761.1, NM_001406762.1, NM_001406764.1 and 1 more transcripts); c.895G>A, p.Val299Met (NM_001406766.1, NM_001406767.1, NM_001406770.1); c.745G>A, p.Val249Met (NM_001406771.1, NM_001406773.1); c.457G>A, p.Val153Met (NM_001406775.1, NM_001406776.1, NM_001406777.1 and 1 more transcripts); c.193G>A, p.Val65Met (NM_001406784.1); short protein forms V141M, V395M, V299M, V65M, V153M, V249M, V352M.
Identifiers: ClinVar variation 863819 (VCV000863819.13), dbSNP rs1452469572, ClinGen allele CA376547698.
Genomic context (GRCh38, chr10:43,109,150, plus strand): 5'-CTGGTCAATGACTCAGACTTCCAGGGCCCAGGAGCGGGCGTCCTCTTGCTCCACTTCAAC[G>A]TGTCGGTGCTGCCGGTCAGCCTGCACCTGCCCAGTACCTACTCCCTCTCCGTGAGCAGGA-3'
Protein context (NP_066124.1, residues 385-405): GAGVLLLHFN[Val395Met]SVLPVSLHLP

ClinVar aggregate classification (germline): Uncertain significance. Review status: criteria provided, multiple submitters, no conflicts (2 of 4 stars). 3 submissions from 3 submitters: Uncertain significance (3). Last evaluated 2024-07-24.

Conditions:
Hereditary cancer-predisposing syndrome. Also called: Hereditary Cancer Syndrome; Tumor predisposition; Neoplastic Syndromes, Hereditary; Hereditary neoplastic syndrome. Identifiers: Orphanet 140162, MedGen C0027672, MeSH D009386, MONDO:0015356.
Multiple endocrine neoplasia, type 2 (MEN2). Identifiers: Orphanet 653, MedGen C4048306, MONDO:0019003. Disease mechanism: gain of function.

Allele frequency attached by ClinVar (database versions not stated): gnomAD exomes below 0.00001 and 0.00001.
gnomAD v4.1: 5 of 1,613,846 alleles (0.00031%); highest among the groups gnomAD compares: South Asian, 0.0055%; no homozygotes.

Submissions (3):

Ambry Genetics
Classification: Uncertain significance for Hereditary cancer-predisposing syndrome. Last evaluated: 2024-07-24. Review status: criteria provided, single submitter. Criteria: Ambry Variant Classification Scheme 2023. Collection method: clinical testing. Allele origin: germline.
Comment: The p.V395M variant (also known as c.1183G>A), located in coding exon 6 of the RET gene, results from a G to A substitution at nucleotide position 1183. The valine at codon 395 is replaced by methionine, an amino acid with highly similar properties. This alteration was identified in 1 individual in a cohort of patients with short-segment Hirschsprung disease and 0 controls. (Tang CS et al. Gastroenterology, 2018 12;155:1908-1922.e5). This amino acid position is highly conserved in available vertebrate species. In addition, the in silico prediction for this alteration is inconclusive. Since supporting evidence is limited at this time, the clinical significance of this alteration remains unclear.

Labcorp Genetics (formerly Invitae), Labcorp
Classification: Uncertain significance for Multiple endocrine neoplasia, type 2. Last evaluated: 2023-12-17. Review status: criteria provided, single submitter. Criteria: Invitae Variant Classification Sherloc (09022015). Collection method: clinical testing. Allele origin: germline.
Comment: This sequence change replaces valine, which is neutral and non-polar, with methionine, which is neutral and non-polar, at codon 395 of the RET protein (p.Val395Met). This variant is present in population databases (no rsID available, gnomAD 0.006%). This missense change has been observed in individual(s) with Hirschsprung disease (PMID: 30217742). ClinVar contains an entry for this variant (Variation ID: 863819). An algorithm developed to predict the effect of missense changes on protein structure and function (PolyPhen-2) suggests that this variant is likely to be disruptive. In summary, the available evidence is currently insufficient to determine the role of this variant in disease. Therefore, it has been classified as a Variant of Uncertain Significance.

GeneDx
Classification: Uncertain significance. Last evaluated: 2023-10-16. Review status: criteria provided, single submitter. Criteria: GeneDx Variant Classification Process June 2021. Collection method: clinical testing. Allele origin: germline. Affected: yes.
Comment: Not observed at significant frequency in large population cohorts (gnomAD); In silico analysis supports that this missense variant does not alter protein structure/function; Observed once in a cohort of Hirschsprung disease patients (Tang et al., 2018); This variant is associated with the following publications: (PMID: 14633923, 30217742)

Literature cited by the submitters: PubMed 30217742 (cited by Ambry Genetics and Labcorp Genetics (formerly Invitae), Labcorp).